The following is an entry in ClinVar:

ClinVar aggregate classification (germline): Uncertain significance (1 of 4 stars; one submission).

Conditions:
Hereditary cancer-predisposing syndrome. Also called: Tumor predisposition; Neoplastic Syndromes, Hereditary; Hereditary neoplastic syndrome; Hereditary Cancer Syndrome. Identifiers: Orphanet 140162, MedGen C0027672, MeSH D009386, MONDO:0015356.

Submission:

Ambry Genetics
Classification: Uncertain significance for Hereditary cancer-predisposing syndrome. Last evaluated: 2025-07-18. Review status: criteria provided, single submitter. Criteria: Ambry Variant Classification Scheme 2023. Collection method: clinical testing. Allele origin: germline.
Comment: The p.M1033L variant (also known as c.3097A>T), located in coding exon 4 of the MSH6 gene, results from an A to T substitution at nucleotide position 3097. The methionine at codon 1033 is replaced by leucine, an amino acid with highly similar properties. This amino acid position is conserved. In addition, this alteration is predicted to be deleterious by in silico analysis. Based on the available evidence, the clinical significance of this variant remains unclear.

NM_000179.3(MSH6):c.3097A>T (p.Met1033Leu)

Gene: MSH6 (mutS homolog 6; plus strand). Cytogenetic location: 2p16.3.
Variant type: single nucleotide variant.
Coding change: c.3097A>T on transcript NM_000179.3 (MANE Select); coding-DNA position 3097, A replaced by T.
Protein change: p.Met1033Leu; replaces methionine 1033 with leucine.
Molecular consequence: missense variant. On other transcripts: non-coding transcript variant (5), intron variant (2).
Genome position (GRCh38, 1-based): chr2:47,801,080, A>T. VCF-style: chr2-47801080-A-T. GRCh37 (hg19) VCF-style: chr2-48028219-A-T.
Other names: c.3097A>T, p.Met1033Leu (NM_001406809.1, NM_001406796.1, NM_001406798.1 and 2 more transcripts); c.2191A>T, p.Met731Leu (NM_001406811.1, NM_001406812.1, NM_001406814.1 and 6 more transcripts); c.3103A>T, p.Met1035Leu (NM_001406813.1); c.2800A>T, p.Met934Leu (NM_001406818.1, NM_001406819.1, NM_001406820.1 and 10 more transcripts); c.2707A>T, p.Met903Leu (NM_001281492.2); c.3193A>T, p.Met1065Leu (NM_001406795.1, NM_001406802.1); c.2572A>T, p.Met858Leu (NM_001406799.1, NM_001406806.1, NM_001406807.1); c.3019A>T, p.Met1007Leu (NM_001406804.1); and 4 more; short protein forms M1033L, M858L, M903L, M977L, M1007L, M1065L, M731L, M1035L.
Identifiers: ClinVar variation 4111208 (VCV004111208.1).